The following is an entry in ClinVar:

NM_000545.8(HNF1A):c.830del (p.Phe277fs)

Gene: HNF1A (HNF1 homeobox A; plus strand). Cytogenetic location: 12q24.31.
Variant type: Deletion.
Coding change: c.830del on transcript NM_000545.8 (MANE Select); coding-DNA position 830, one base deleted (T; older notation c.830delT).
Protein change: p.Phe277fs; shifts the reading frame from phenylalanine 277.
Molecular consequence: frameshift variant.
Genome position (GRCh38, 1-based): chr12:120,994,280, T deleted; the last of 2 consecutive T bases (chr12:120,994,279-120,994,280); deleting either gives the same sequence. VCF-style (leftmost placement, unchanged base first): chr12-120994278-CT-C. GRCh37 (hg19) VCF-style: chr12-121432081-CT-C.
Other names: c.830del, p.Phe277fs (NM_001306179.2); c.830delT, p.Phe277Serfs (NM_001406915.1); short protein forms F277fs.
Identifiers: ClinVar variation 1762872 (VCV001762872.2), dbSNP rs2499997569, ClinGen allele CA2580085931.

ClinVar aggregate classification (germline): Pathogenic (1 of 4 stars; one submission).

Conditions:
Maturity-onset diabetes of the young (MODY). Also called: Maturity onset diabetes mellitus in young. Identifiers: Orphanet 552, MedGen C0342276, MONDO:0018911, HP:0004904.

Submission:

Ambry Genetics
Classification: Pathogenic for Maturity-onset diabetes of the young. Last evaluated: 2020-07-10. Review status: criteria provided, single submitter. Criteria: Ambry Variant Classification Scheme 2023. Collection method: clinical testing. Allele origin: germline.
Comment: The c.830delT pathogenic mutation, located in coding exon 4 of the HNF1A gene, results from a deletion of one nucleotide at nucleotide position 830, causing a translational frameshift with a predicted alternate stop codon (p.F277Sfs*65). This alteration is expected to result in loss of function by premature protein truncation or nonsense-mediated mRNA decay. As such, this alteration is interpreted as a disease-causing mutation.